The following is an entry in ClinVar:

NM_004958.4(MTOR):c.5074G>T (p.Val1692Phe)

Gene: MTOR (mechanistic target of rapamycin kinase; minus strand). Cytogenetic location: 1p36.22.
Variant type: single nucleotide variant.
Coding change: c.5074G>T on transcript NM_004958.4 (MANE Select); coding-DNA position 5074, G replaced by T.
Protein change: p.Val1692Phe; replaces valine 1692 with phenylalanine.
Molecular consequence: missense variant.
Genome position (GRCh38, 1-based): chr1:11,139,360, C>A on the plus strand (G>T on the coding strand, the complement: MTOR is on the minus strand). VCF-style: chr1-11139360-C-A. GRCh37 (hg19) VCF-style: chr1-11199417-C-A.
Other names: c.5074G>T, p.Val1692Phe (NM_001386500.1); c.3826G>T, p.Val1276Phe (NM_001386501.1); short protein forms V1276F, V1692F.
Identifiers: ClinVar variation 2083077 (VCV002083077.4), dbSNP rs1476147288, ClinGen allele CA338401837.

ClinVar aggregate classification (germline): Uncertain significance (1 of 4 stars; one submission).

Allele frequency attached by ClinVar (database versions not stated): gnomAD exomes below 0.00001; gnomAD 0.00001; TOPMed 0.00001.
gnomAD v4.1: 2 of 1,613,410 alleles (0.00012%); highest among the groups gnomAD compares: Non-Finnish European, 0.00017%; no homozygotes.

Submission:

Labcorp Genetics (formerly Invitae), Labcorp
Classification: Uncertain significance. Last evaluated: 2023-10-16. Review status: criteria provided, single submitter. Criteria: Invitae Variant Classification Sherloc (09022015). Collection method: clinical testing. Allele origin: germline.
Comment: This sequence change replaces valine, which is neutral and non-polar, with phenylalanine, which is neutral and non-polar, at codon 1692 of the MTOR protein (p.Val1692Phe). This variant is present in population databases (no rsID available, gnomAD 0.0009%). This variant has not been reported in the literature in individuals affected with MTOR-related conditions. ClinVar contains an entry for this variant (Variation ID: 2083077). Advanced modeling of protein sequence and biophysical properties (such as structural, functional, and spatial information, amino acid conservation, physicochemical variation, residue mobility, and thermodynamic stability) performed at Invitae indicates that this missense variant is not expected to disrupt MTOR protein function. Algorithms developed to predict the effect of sequence changes on RNA splicing suggest that this variant may create or strengthen a splice site. In summary, the available evidence is currently insufficient to determine the role of this variant in disease. Therefore, it has been classified as a Variant of Uncertain Significance.